The following is an entry in ClinVar:

ClinVar aggregate classification (germline): Pathogenic (1 of 4 stars; one submission).

Conditions:
Telangiectasia, hereditary hemorrhagic, type 2 (HHT2). Also called: ACVRL1-Related Hereditary Hemorrhagic Telangiectasia; Telangiectasia, hereditary hemorrhagic, type II. Identifiers: Orphanet 774, MedGen C1838163, MONDO:0010880, OMIM 600376. Disease mechanism: loss of function.

Submission:

Labcorp Genetics (formerly Invitae), Labcorp
Classification: Pathogenic for Telangiectasia, hereditary hemorrhagic, type 2. Last evaluated: 2023-09-23. Review status: criteria provided, single submitter. Criteria: Invitae Variant Classification Sherloc (09022015). Collection method: clinical testing. Allele origin: germline.
Comment: This sequence change replaces asparagine, which is neutral and polar, with histidine, which is basic and polar, at codon 96 of the ACVRL1 protein (p.Asn96His). For these reasons, this variant has been classified as Pathogenic. This variant disrupts the p.Asn96 amino acid residue in ACVRL1. Other variant(s) that disrupt this residue have been observed in individuals with ACVRL1-related conditions (PMID: 10694922, 20414677, 22781769), which suggests that this may be a clinically significant amino acid residue. Advanced modeling of protein sequence and biophysical properties (such as structural, functional, and spatial information, amino acid conservation, physicochemical variation, residue mobility, and thermodynamic stability) performed at Invitae indicates that this missense variant is expected to disrupt ACVRL1 protein function. This missense change has been observed in individual(s) with hereditary hemorrhagic telangiectasia (Invitae). This variant is not present in population databases (gnomAD no frequency).

Literature cited by the submitters: PubMed 10694922; PubMed 20414677; PubMed 22781769.

NM_000020.3(ACVRL1):c.286A>C (p.Asn96His)

Gene: ACVRL1 (activin A receptor like type 1; plus strand). Cytogenetic location: 12q13.13.
Variant type: single nucleotide variant.
Coding change: c.286A>C on transcript NM_000020.3 (MANE Select); coding-DNA position 286, A replaced by C.
Protein change: p.Asn96His; replaces asparagine 96 with histidine.
Molecular consequence: missense variant. On other transcripts: intron variant (1).
Genome position (GRCh38, 1-based): chr12:51,913,323, A>C. VCF-style: chr12-51913323-A-C. GRCh37 (hg19) VCF-style: chr12-52307107-A-C.
Other names: c.286A>C, p.Asn96His (NM_001077401.2, NM_001406487.1, NM_001406488.1 and 6 more transcripts); c.61+788A>C (NM_001406495.1); short protein forms N96H.
Identifiers: ClinVar variation 2762912 (VCV002762912.3), dbSNP rs2139065803, ClinGen allele CA384898083.